The following is an entry in ClinVar:

ClinVar aggregate classification (germline): Uncertain significance. Review status: criteria provided, multiple submitters, no conflicts (2 of 4 stars). 2 submissions from 2 submitters: Uncertain significance (2). Last evaluated 2024-04-26.

Conditions:
Nuclear pulverulent cataract (CTRCT2). Identifiers: MedGen C1852438, HP:0010698.
Inborn genetic diseases. Identifiers: MedGen C0950123, MeSH D030342.

Allele frequency attached by ClinVar (database versions not stated): TOPMed below 0.00001; gnomAD exomes 0.00001.
gnomAD v4.1: 4 of 1,614,214 alleles (0.00025%); highest among the groups gnomAD compares: Admixed American, 0.0067%; no homozygotes.

Submissions (2):

Ambry Genetics
Classification: Uncertain significance for Inborn genetic diseases. Last evaluated: 2024-04-26. Review status: criteria provided, single submitter. Criteria: Ambry Variant Classification Scheme 2023. Collection method: clinical testing. Allele origin: germline.

Labcorp Genetics (formerly Invitae), Labcorp
Classification: Uncertain significance for Nuclear pulverulent cataract. Last evaluated: 2023-12-11. Review status: criteria provided, single submitter. Criteria: Invitae Variant Classification Sherloc (09022015). Collection method: clinical testing. Allele origin: germline.
Comment: This sequence change replaces proline, which is neutral and non-polar, with threonine, which is neutral and polar, at codon 49 of the CRYGC protein (p.Pro49Thr). This variant is present in population databases (no rsID available, gnomAD 0.009%). This variant has not been reported in the literature in individuals affected with CRYGC-related conditions. ClinVar contains an entry for this variant (Variation ID: 1366545). An algorithm developed to predict the effect of missense changes on protein structure and function (PolyPhen-2) suggests that this variant is likely to be disruptive. In summary, the available evidence is currently insufficient to determine the role of this variant in disease. Therefore, it has been classified as a Variant of Uncertain Significance.

NM_020989.4(CRYGC):c.145C>A (p.Pro49Thr)

Genes: CRYGC (crystallin gamma C; minus strand), LOC100507443 (uncharacterized LOC100507443; plus strand). Cytogenetic location: 2q33.3.
Variant type: single nucleotide variant.
Coding change: c.145C>A on transcript NM_020989.4 (MANE Select); coding-DNA position 145, C replaced by A.
Protein change: p.Pro49Thr; replaces proline 49 with threonine.
Molecular consequence: missense variant.
Genome position (GRCh38, 1-based): chr2:208,129,548, G>T on the plus strand (C>A on the coding strand, the complement: CRYGC is on the minus strand). VCF-style: chr2-208129548-G-T. GRCh37 (hg19) VCF-style: chr2-208994272-G-T.
Other names: c.145C>A (NM_020989.3); short protein forms P49T.
Identifiers: ClinVar variation 1366545 (VCV001366545.7), dbSNP rs1351742978, ClinGen allele CA350097093.
Genomic context (GRCh38, chr2:208,129,548, plus strand): 5'-ATTGCTGGTAGTCGGGGTACTCCCCTCGCCGCAGCAAGTATTGTTGACCTTGGTAGTTGG[G>T]ACGCTCATAGAGCATCCAGCAGCCGCTCTCCACCCGGATGGAGTTGCAGCGGCTGAAATA-3'
Protein context (NP_066269.1, residues 39-59): ESGCWMLYER[Pro49Thr]NYQGQQYLLR